The following is an entry in ClinVar:

ClinVar aggregate classification (germline): Uncertain significance. Review status: criteria provided, single submitter (1 of 4 stars). 2 submissions from 2 submitters: Uncertain significance (1). 1 of the submissions does not count toward it. Last evaluated 2021-08-12.

Conditions:
Tooth agenesis, selective, 4 (STHAG4). Also called: LATERAL INCISORS, ABSENCE OF; LATERAL INCISORS, PEGGED OR MISSING; SUCCEDANEOUS TEETH, AGENESIS OF; TOOTH AGENESIS, SELECTIVE, 4, WITH OR WITHOUT ECTODERMAL DYSPLASIA. Identifiers: Orphanet 99798, MedGen C1835492, MONDO:0007881, OMIM 150400. Disease mechanism: loss of function.
Odonto-onycho-dermal dysplasia. Identifiers: Orphanet 2721, MedGen C0796093, MONDO:0009773, OMIM 257980.
Schöpf-Schulz-Passarge syndrome. Also called: SchC6pf-Schulz-Passarge syndrome; KERATOSIS PALMOPLANTARIS WITH CYSTIC EYELIDS, HYPODONTIA, AND HYPOTRICHOSIS; ECCRINE TUMORS WITH ECTODERMAL DYSPLASIA. Identifiers: Orphanet 50944, MedGen C1857069, MONDO:0009145, OMIM 224750.

gnomAD v4.1: 3 of 1,591,994 alleles (0.00019%); highest among the groups gnomAD compares: Non-Finnish European, 0.00025%; no homozygotes.

Submissions (2):

Labcorp Genetics (formerly Invitae), Labcorp
Classification: Uncertain significance for Tooth agenesis, selective, 4; Odonto-onycho-dermal dysplasia. Last evaluated: 2021-08-12. Review status: criteria provided, single submitter. Criteria: Invitae Variant Classification Sherloc (09022015). Collection method: clinical testing. Allele origin: germline.
Comment: This sequence change replaces methionine with arginine at codon 375 of the WNT10A protein (p.Met375Arg). The methionine residue is moderately conserved and there is a moderate physicochemical difference between methionine and arginine. This variant is not present in population databases (ExAC no frequency). This missense change has been observed in individual(s) with clinical features of WNT10A-related conditions (Invitae). In at least one individual the data is consistent with the variant being in trans (on the opposite chromosome) from a pathogenic variant. It has also been observed to segregate with disease in related individuals. Algorithms developed to predict the effect of missense changes on protein structure and function are either unavailable or do not agree on the potential impact of this missense change (SIFT: "Deleterious"; PolyPhen-2: "Benign"; Align-GVGD: "Class C45"). In summary, the available evidence is currently insufficient to determine the role of this variant in disease. Therefore, it has been classified as a Variant of Uncertain Significance.

Natera, Inc.
Classification: Uncertain significance for Schopf-Schulz-Passarge syndrome. Last evaluated: 2020-03-30. Review status: no assertion criteria provided. Collection method: clinical testing. Allele origin: germline. Not counted in ClinVar's aggregate classification.

NM_025216.3(WNT10A):c.1124T>G (p.Met375Arg)

Gene: WNT10A (Wnt family member 10A; plus strand). Cytogenetic location: 2q35.
Variant type: single nucleotide variant.
Coding change: c.1124T>G on transcript NM_025216.3 (MANE Select); coding-DNA position 1124, T replaced by G.
Protein change: p.Met375Arg; replaces methionine 375 with arginine.
Molecular consequence: missense variant.
Genome position (GRCh38, 1-based): chr2:218,893,141, T>G. VCF-style: chr2-218893141-T-G. GRCh37 (hg19) VCF-style: chr2-219757863-T-G.
Other names: short protein forms M375R.
Identifiers: ClinVar variation 947689 (VCV000947689.7), dbSNP rs773598047, ClinGen allele CA350591743.
Genomic context (GRCh38, chr2:218,893,141, plus strand): 5'-CGGGCACCGTGGGCCGCCTGTGCAACAAGAGCAGCGCCGGCTCGGATGGCTGCGGCAGCA[T>G]GTGCTGCGGCCGCGGCCACAACATCCTGCGCCAGACGCGCAGCGAGCGCTGCCACTGCCG-3'
Protein context (NP_079492.2, residues 365-385): SSAGSDGCGS[Met375Arg]CCGRGHNILR